The following is an entry in ClinVar:

NM_005120.3(MED12):c.3260C>T (p.Ser1087Leu)

Gene: MED12 (mediator complex subunit 12; plus strand). Cytogenetic location: Xq13.1.
Variant type: single nucleotide variant.
Coding change: c.3260C>T on transcript NM_005120.3 (MANE Select); coding-DNA position 3260, C replaced by T.
Protein change: p.Ser1087Leu; replaces serine 1087 with leucine.
Molecular consequence: missense variant.
Genome position (GRCh38, 1-based): chrX:71,128,346, C>T. VCF-style: chrX-71128346-C-T. GRCh37 (hg19) VCF-style: chrX-70348196-C-T.
Other names: short protein forms S1087L.
Identifiers: ClinVar variation 2634652 (VCV002634652.5), dbSNP rs2147802207, ClinGen allele CA413518067.

ClinVar aggregate classification (germline): Uncertain significance. Review status: criteria provided, multiple submitters, no conflicts (2 of 4 stars). 3 submissions from 3 submitters: Uncertain significance (3). Last evaluated 2025-04-29.

Conditions:
MED12-Related Disorders. Also called: MED12-related condition; MED12-related disorder. Identifiers: MedGen CN381102.
Familial thoracic aortic aneurysm and aortic dissection (TAAD). Also called: Thoracic aortic aneurysms and dissections. Identifiers: Orphanet 91387, MedGen C4707243, MONDO:0019625.
FG syndrome (FGS). Identifiers: MedGen C0220769, MONDO:0002010.

Allele frequency attached by ClinVar (database versions not stated): gnomAD exomes 0.00001.
gnomAD v4.1: 5 of 1,211,723 alleles (0.00041%); highest among the groups gnomAD compares: Non-Finnish European, 0.00045%; no homozygotes.

Submissions (3):

Labcorp Genetics (formerly Invitae), Labcorp
Classification: Uncertain significance for FG syndrome. Last evaluated: 2025-04-29. Review status: criteria provided, single submitter. Criteria: Invitae Variant Classification Sherloc (09022015). Collection method: clinical testing. Allele origin: germline.
Comment: This sequence change replaces serine, which is neutral and polar, with leucine, which is neutral and non-polar, at codon 1087 of the MED12 protein (p.Ser1087Leu). This variant is not present in population databases (gnomAD no frequency). This variant has not been reported in the literature in individuals affected with MED12-related conditions. ClinVar contains an entry for this variant (Variation ID: 2634652). Invitae Evidence Modeling of protein sequence and biophysical properties (such as structural, functional, and spatial information, amino acid conservation, physicochemical variation, residue mobility, and thermodynamic stability) indicates that this missense variant is not expected to disrupt MED12 protein function with a negative predictive value of 95%. In summary, the available evidence is currently insufficient to determine the role of this variant in disease. Therefore, it has been classified as a Variant of Uncertain Significance.

Ambry Genetics
Classification: Uncertain significance for Familial thoracic aortic aneurysm and aortic dissection. Last evaluated: 2024-07-15. Review status: criteria provided, single submitter. Criteria: Ambry Variant Classification Scheme 2023. Collection method: clinical testing. Allele origin: germline.
Comment: The p.S1087L variant (also known as c.3260C>T), located in coding exon 23 of the MED12 gene, results from a C to T substitution at nucleotide position 3260. The serine at codon 1087 is replaced by leucine, an amino acid with dissimilar properties. This amino acid position is well conserved in available vertebrate species. In addition, this alteration is predicted to be tolerated by in silico analysis. Based on the available evidence, the clinical significance of this variant remains unclear.

PreventionGenetics, part of Exact Sciences
Classification: Uncertain significance for MED12-related condition. Last evaluated: 2023-05-24. Review status: criteria provided, single submitter. Criteria: ACMG Guidelines, 2015. Collection method: clinical testing. Allele origin: germline.
Comment: The MED12 c.3260C>T variant is predicted to result in the amino acid substitution p.Ser1087Leu. To our knowledge, this variant has not been reported in the literature or in a large population database, indicating this variant is rare. At this time, the clinical significance of this variant is uncertain due to the absence of conclusive functional and genetic evidence.